The following is an entry in ClinVar:

NM_020987.5(ANK3):c.5657C>T (p.Ala1886Val)

Gene: ANK3 (ankyrin 3; minus strand). Cytogenetic location: 10q21.2.
Variant type: single nucleotide variant.
Coding change: c.5657C>T on transcript NM_020987.5 (MANE Select); coding-DNA position 5657, C replaced by T.
Protein change: p.Ala1886Val; replaces alanine 1886 with valine.
Molecular consequence: missense variant. On other transcripts: intron variant (4).
Genome position (GRCh38, 1-based): chr10:60,075,224, G>A on the plus strand (C>T on the coding strand, the complement: ANK3 is on the minus strand). VCF-style: chr10-60075224-G-A. GRCh37 (hg19) VCF-style: chr10-61834982-G-A.
Other names: c.4387+5313C>T (NM_001204403.2); c.4408+5313C>T (NM_001204404.2); c.4405+5313C>T (NM_001320874.2); c.1807+5313C>T (NM_001149.4); short protein forms A1886V.
Identifiers: ClinVar variation 1461895 (VCV001461895.6), dbSNP rs2131983391, ClinGen allele CA377015101.
Genomic context (GRCh38, chr10:60,075,224, plus strand): 5'-GCTACATCTTTTAGTATCTCCTGACTGGAAGATAAAGAAGATGGTGTAGACAACTTAAGG[G>A]CAGAGGGTGCAAGGAACAAAGATGACTTAACTGGAGATGAAGTTCGACTGAAGTGAGGCT-3'
Protein context (NP_066267.2, residues 1876-1896): VKSSLFLAPS[Ala1886Val]LKLSTPSSLS

ClinVar aggregate classification (germline): Uncertain significance (1 of 4 stars; one submission).

Submission:

Labcorp Genetics (formerly Invitae), Labcorp
Classification: Uncertain significance. Last evaluated: 2021-02-17. Review status: criteria provided, single submitter. Criteria: Invitae Variant Classification Sherloc (09022015). Collection method: clinical testing. Allele origin: germline.
Comment: This sequence change replaces alanine with valine at codon 1886 of the ANK3 protein (p.Ala1886Val). The alanine residue is weakly conserved and there is a small physicochemical difference between alanine and valine. This variant is not present in population databases (ExAC no frequency). This variant has not been reported in the literature in individuals with ANK3-related conditions. Algorithms developed to predict the effect of missense changes on protein structure and function are either unavailable or do not agree on the potential impact of this missense change (SIFT: "Not Available"; PolyPhen-2: "Benign"; Align-GVGD: "Not Available"). In summary, the available evidence is currently insufficient to determine the role of this variant in disease. Therefore, it has been classified as a Variant of Uncertain Significance.